The following is an entry in ClinVar:

NM_177438.3(DICER1):c.4219A>T (p.Met1407Leu)

Gene: DICER1 (dicer 1, ribonuclease III; minus strand). Cytogenetic location: 14q32.13.
Variant type: single nucleotide variant.
Coding change: c.4219A>T on transcript NM_177438.3 (MANE Select); coding-DNA position 4219, A replaced by T.
Protein change: p.Met1407Leu; replaces methionine 1407 with leucine.
Molecular consequence: missense variant. On other transcripts: non-coding transcript variant (6).
Genome position (GRCh38, 1-based): chr14:95,096,701, T>A on the plus strand (A>T on the coding strand, the complement: DICER1 is on the minus strand). VCF-style: chr14-95096701-T-A. GRCh37 (hg19) VCF-style: chr14-95563038-T-A.
Other names: c.4219A>T, p.Met1407Leu (NM_001395683.1, NM_001395684.1, NM_001195573.1 and 12 more transcripts); c.3814A>T, p.Met1272Leu (NM_001395689.1, NM_001395687.1, NM_001395688.1 and 2 more transcripts); c.3937A>T, p.Met1313Leu (NM_001395686.1); c.3652A>T, p.Met1218Leu (NM_001395691.1); c.2536A>T, p.Met846Leu (NM_001395697.1); short protein forms M1218L, M1272L, M1313L, M846L, M1407L.
Identifiers: ClinVar variation 3501860 (VCV003501860.1).
Genomic context (GRCh38, chr14:95,096,701, plus strand): 5'-GGCTCTCCTCCTCCTCATCCTCCTCCTCGTAATCCTCATCCAGTTTGCCATTCGCCAGCA[T>A]GCAGTCTTTTGTCTGAAACGAGGGGGAATGGGGAAGGAGGGGAAACATAGCTGCTGTTTT-3'
Protein context (NP_803187.1, residues 1397-1417): WEKDEMTKDC[Met1407Leu]LANGKLDEDY

ClinVar aggregate classification (germline): Uncertain significance (1 of 4 stars; one submission).

Conditions:
Hereditary cancer-predisposing syndrome. Also called: Tumor predisposition; Neoplastic Syndromes, Hereditary; Hereditary Cancer Syndrome; Hereditary neoplastic syndrome. Identifiers: Orphanet 140162, MedGen C0027672, MeSH D009386, MONDO:0015356.

Submission:

Ambry Genetics
Classification: Uncertain significance for Hereditary cancer-predisposing syndrome. Last evaluated: 2024-07-24. Review status: criteria provided, single submitter. Criteria: Ambry Variant Classification Scheme 2023. Collection method: clinical testing. Allele origin: germline.
Comment: The p.M1407L variant (also known as c.4219A>T), located in coding exon 22 of the DICER1 gene, results from an A to T substitution at nucleotide position 4219. The methionine at codon 1407 is replaced by leucine, an amino acid with highly similar properties. This amino acid position is conserved. In addition, this alteration is predicted to be tolerated by in silico analysis. Based on the available evidence, the clinical significance of this variant remains unclear.